The following is an entry in ClinVar:

NM_014363.6(SACS):c.1066A>G (p.Ile356Val)

Gene: SACS (sacsin molecular chaperone; minus strand). Cytogenetic location: 13q12.12.
Variant type: single nucleotide variant.
Coding change: c.1066A>G on transcript NM_014363.6 (MANE Select); coding-DNA position 1066, A replaced by G.
Protein change: p.Ile356Val; replaces isoleucine 356 with valine.
Molecular consequence: missense variant.
Genome position (GRCh38, 1-based): chr13:23,355,546, T>C on the plus strand (A>G on the coding strand, the complement: SACS is on the minus strand). VCF-style: chr13-23355546-T-C. GRCh37 (hg19) VCF-style: chr13-23929685-T-C.
Other names: c.625A>G, p.Ile209Val (NM_001278055.2); short protein forms I356V, I209V.
Identifiers: ClinVar variation 311568 (VCV000311568.23), dbSNP rs148286091, ClinGen allele CA6911978.

ClinVar aggregate classification (germline): Conflicting classifications of pathogenicity. Review status: criteria provided, conflicting classifications (1 of 4 stars). 7 submissions from 7 submitters: Uncertain significance (5); Benign (1). 1 of the submissions does not count toward it. Last evaluated 2026-01-09.

Conditions:
Spastic paraplegia. Identifiers: MedGen C0037772, HP:0001258.
Hereditary spastic paraplegia. Also called: Familial spastic paraparesis. Identifiers: Orphanet 685, MedGen C0037773, MONDO:0019064. Disease mechanism: loss of function.
Charlevoix-Saguenay spastic ataxia (SACS). Also called: SPASTIC ATAXIA 6, AUTOSOMAL RECESSIVE; AUTOSOMAL RECESSIVE SPASTIC ATAXIA OF CHARLEVOIX-SAGUENAY; Spastic ataxia of Charlevoix-Saguenay. Identifiers: Orphanet 98, MedGen C1849140, MONDO:0010041, OMIM 270550.

Allele frequency attached by ClinVar (database versions not stated): TOPMed 0.00009; 1000 Genomes Project 30x 0.00016.
gnomAD v4.1: 55 of 1,614,164 alleles (0.0034%); highest among the groups gnomAD compares: East Asian, 0.089%; no homozygotes.

Submissions (7):

Labcorp Genetics (formerly Invitae), Labcorp
Classification: Benign for Spastic paraplegia. Last evaluated: 2026-01-09. Review status: criteria provided, single submitter. Criteria: Invitae Variant Classification Sherloc (09022015). Collection method: clinical testing. Allele origin: germline.

Genome-Nilou Lab
Classification: Uncertain significance for Charlevoix-Saguenay spastic ataxia. Last evaluated: 2021-09-05. Review status: criteria provided, single submitter. Criteria: ACMG Guidelines, 2015. Collection method: clinical testing. Allele origin: germline. Affected: no.

Athena Diagnostics
Classification: Uncertain significance. Last evaluated: 2021-06-03. Review status: criteria provided, single submitter. Criteria: Athena Diagnostics Criteria. Collection method: clinical testing. Allele origin: unknown.

Genome Diagnostics Laboratory, The Hospital for Sick Children
Classification: Uncertain significance for Hereditary spastic paraplegia. Last evaluated: 2020-12-16. Review status: criteria provided, single submitter. Criteria: ACMG Guidelines, 2015. Collection method: clinical testing. Allele origin: germline. Affected: yes.

Illumina Laboratory Services, Illumina
Classification: Uncertain significance for Charlevoix-Saguenay spastic ataxia. Last evaluated: 2018-01-13. Review status: criteria provided, single submitter. Criteria: ICSL Variant Classification Criteria 13 December 2019. Collection method: clinical testing. Allele origin: germline.

Juno Genomics, Hangzhou Juno Genomics, Inc
Classification: Uncertain significance for Charlevoix-Saguenay spastic ataxia. Review status: criteria provided, single submitter. Criteria: ACMG Guidelines, 2015. Collection method: clinical testing. Allele origin: germline.
Comment: Absent from controls (or at extremely low frequency if recessive) in Genome Aggregation Database.;Multiple lines of computational evidence support a deleterious effect on the gene or gene product.

Natera, Inc.
Classification: Uncertain significance for Charlevoix-Saguenay type spastic ataxia. Last evaluated: 2020-01-24. Review status: no assertion criteria provided. Collection method: clinical testing. Allele origin: germline. Not counted in ClinVar's aggregate classification.